The following is an entry in ClinVar:

ClinVar aggregate classification (germline): Uncertain significance (1 of 4 stars; one submission).

Allele frequency attached by ClinVar (database versions not stated): gnomAD exomes below 0.00001; TOPMed below 0.00001.
gnomAD v4.1: 3 of 1,614,108 alleles (0.00019%); highest among the groups gnomAD compares: Non-Finnish European, 0.00025%; no homozygotes.

Submission:

GeneDx
Classification: Uncertain significance. Last evaluated: 2023-12-11. Review status: criteria provided, single submitter. Criteria: GeneDx Variant Classification Process June 2021. Collection method: clinical testing. Allele origin: germline. Affected: yes.
Comment: Not observed at significant frequency in large population cohorts (gnomAD); In silico analysis supports that this missense variant does not alter protein structure/function; Has not been previously published as pathogenic or benign to our knowledge

NM_001145358.2(SIN3A):c.1463T>C (p.Val488Ala)

Gene: SIN3A (SIN3 transcription regulator family member A; minus strand). Cytogenetic location: 15q24.2.
Variant type: single nucleotide variant.
Coding change: c.1463T>C on transcript NM_001145358.2 (MANE Select); coding-DNA position 1463, T replaced by C.
Protein change: p.Val488Ala; replaces valine 488 with alanine.
Molecular consequence: missense variant.
Genome position (GRCh38, 1-based): chr15:75,401,915, A>G on the plus strand (T>C on the coding strand, the complement: SIN3A is on the minus strand). VCF-style: chr15-75401915-A-G. GRCh37 (hg19) VCF-style: chr15-75694256-A-G.
Other names: c.1463T>C, p.Val488Ala (NM_001145357.2, NM_015477.3); short protein forms V488A.
Identifiers: ClinVar variation 3253379 (VCV003253379.1), dbSNP rs1267007077.